The following is an entry in ClinVar:

NM_001382391.1(CSPP1):c.1600G>A (p.Asp534Asn)

Gene: CSPP1 (centrosome and spindle pole associated protein 1; plus strand). Cytogenetic location: 8q13.2.
Variant type: single nucleotide variant.
Coding change: c.1600G>A on transcript NM_001382391.1 (MANE Select); coding-DNA position 1600, G replaced by A.
Protein change: p.Asp534Asn; replaces aspartic acid 534 with asparagine.
Molecular consequence: missense variant.
Genome position (GRCh38, 1-based): chr8:67,118,351, G>A. VCF-style: chr8-67118351-G-A. GRCh37 (hg19) VCF-style: chr8-68030586-G-A.
Other names: c.703G>A, p.Asp235Asn (NM_001291339.2); c.1519G>A, p.Asp507Asn (NM_001363131.2); c.1558G>A, p.Asp520Asn (NM_001363132.2); c.1477G>A, p.Asp493Asn (NM_001363133.2); c.1666G>A, p.Asp556Asn (NM_001364869.1); c.1486G>A, p.Asp496Asn (NM_001364870.1); c.1585G>A, p.Asp529Asn (NM_024790.7); short protein forms D235N, D493N, D496N, D507N, D520N, D529N, D534N, D556N.
Identifiers: ClinVar variation 1309626 (VCV001309626.4), dbSNP rs773480768, ClinGen allele CA4770579.

ClinVar aggregate classification (germline): Uncertain significance. Review status: criteria provided, multiple submitters, no conflicts (2 of 4 stars). 2 submissions from 2 submitters: Uncertain significance (2). Last evaluated 2022-04-13.

Conditions:
Inborn genetic diseases. Identifiers: MedGen C0950123, MeSH D030342.

Allele frequency attached by ClinVar (database versions not stated): gnomAD exomes below 0.00001 and 0.00001; ExAC 0.00001; gnomAD 0.00001 and 0.00002; TOPMed 0.00001.
gnomAD v4.1: 18 of 1,613,244 alleles (0.0011%); highest among the groups gnomAD compares: Non-Finnish European, 0.0014%; no homozygotes.

Submissions (2):

Ambry Genetics
Classification: Uncertain significance for Inborn genetic diseases. Last evaluated: 2022-04-13. Review status: criteria provided, single submitter. Criteria: Ambry Variant Classification Scheme 2023. Collection method: clinical testing. Allele origin: germline.

GeneDx
Classification: Uncertain significance. Last evaluated: 2019-10-28. Review status: criteria provided, single submitter. Criteria: GeneDx Variant Classification Process June 2021. Collection method: clinical testing. Allele origin: germline. Affected: yes.
Comment: Not observed at a significant frequency in large population cohorts (Lek et al., 2016); In silico analysis, which includes protein predictors and evolutionary conservation, supports that this variant does not alter protein structure/function; Has not been previously published as pathogenic or benign to our knowledge